The following is an entry in ClinVar:

ClinVar aggregate classification (germline): Conflicting classifications of pathogenicity. Review status: criteria provided, conflicting classifications (1 of 4 stars). 3 submissions from 3 submitters: Uncertain significance (1); Likely benign (2). Last evaluated 2025-11-25.

Conditions:
RASopathy. Also called: Noonan spectrum disorder; rasopathies. Identifiers: Orphanet 536391, MedGen C5555857, MONDO:0021060.

Allele frequency attached by ClinVar (database versions not stated): gnomAD 0.00001; gnomAD exomes 0.00001 and 0.00002; ExAC 0.00002; TOPMed 0.00002.
gnomAD v4.1: 40 of 1,612,926 alleles (0.0025%); highest among the groups gnomAD compares: African/African-American, 0.0027%; no homozygotes.

Submissions (3):

Labcorp Genetics (formerly Invitae), Labcorp
Classification: Likely benign for RASopathy. Last evaluated: 2025-11-25. Review status: criteria provided, single submitter. Criteria: Invitae Variant Classification Sherloc (09022015). Collection method: clinical testing. Allele origin: germline.

Blueprint Genetics
Classification: Likely benign. Last evaluated: 2024-10-08. Review status: criteria provided, single submitter. Criteria: ACMG Guidelines, 2015. Collection method: clinical testing. Allele origin: germline.

GeneDx
Classification: Uncertain significance. Last evaluated: 2018-04-06. Review status: criteria provided, single submitter. Criteria: GeneDx Variant Classification (06012015). Collection method: clinical testing. Allele origin: germline. Affected: yes.
Comment: A variant of uncertain significance has been identified in the CBL gene. The A741V variant has not been published as a pathogenic variant, nor has it been reported as a benign variant to our knowledge. The A741V variant is observed in 2/24014 (0.008%) alleles from individuals of African background in large population cohorts (Lek et al., 2016). The A741V variant is a conservative amino acid substitution, which is not likely to impact secondary protein structure as these residues share similar properties. In-silico analyses, including protein predictors and evolutionary conservation, support that this variant does not alter protein structure/function. Based on the currently available information, it is unclear whether this variant is a pathogenic variant or a rare benign variant.

NM_005188.4(CBL):c.2222C>T (p.Ala741Val)

Gene: CBL (Cbl proto-oncogene; plus strand). Cytogenetic location: 11q23.3.
Variant type: single nucleotide variant.
Coding change: c.2222C>T on transcript NM_005188.4 (MANE Select); coding-DNA position 2222, C replaced by T.
Protein change: p.Ala741Val; replaces alanine 741 with valine.
Molecular consequence: missense variant.
Genome position (GRCh38, 1-based): chr11:119,297,452, C>T. VCF-style: chr11-119297452-C-T. GRCh37 (hg19) VCF-style: chr11-119168162-C-T.
Other names: short protein forms A741V.
Identifiers: ClinVar variation 561785 (VCV000561785.10), dbSNP rs763213265, ClinGen allele CA6318712.